The following is an entry in ClinVar:

NM_032776.3(JMJD1C):c.4252T>G (p.Ser1418Ala)

Gene: JMJD1C (jumonji domain containing 1C; minus strand). Cytogenetic location: 10q21.3.
Variant type: single nucleotide variant.
Coding change: c.4252T>G on transcript NM_032776.3 (MANE Select); coding-DNA position 4252, T replaced by G.
Protein change: p.Ser1418Ala; replaces serine 1418 with alanine.
Molecular consequence: missense variant. On other transcripts: non-coding transcript variant (1).
Genome position (GRCh38, 1-based): chr10:63,207,417, A>C on the plus strand (T>G on the coding strand, the complement: JMJD1C is on the minus strand). VCF-style: chr10-63207417-A-C. GRCh37 (hg19) VCF-style: chr10-64967177-A-C.
Other names: c.3706T>G, p.Ser1236Ala (NM_001282948.2, NM_001318154.2); c.3388T>G, p.Ser1130Ala (NM_001318153.2); c.4138T>G, p.Ser1380Ala (NM_001322252.2); c.3595T>G, p.Ser1199Ala (NM_001322254.2, NM_001322258.2); short protein forms S1199A, S1236A, S1418A, S1130A, S1380A.
Identifiers: ClinVar variation 2167693 (VCV002167693.4), dbSNP rs892618042, ClinGen allele CA208371570.

ClinVar aggregate classification (germline): Uncertain significance (1 of 4 stars; one submission).

Conditions:
Early Myoclonic Encephalopathy. Identifiers: MedGen C0270855.

Allele frequency attached by ClinVar (database versions not stated): TOPMed 0.00001.
gnomAD v4.1: 10 of 1,614,204 alleles (0.00062%); highest among the groups gnomAD compares: Non-Finnish European, 0.00076%; no homozygotes.

Submission:

Labcorp Genetics (formerly Invitae), Labcorp
Classification: Uncertain significance for Early Myoclonic Encephalopathy. Last evaluated: 2024-02-05. Review status: criteria provided, single submitter. Criteria: Invitae Variant Classification Sherloc (09022015). Collection method: clinical testing. Allele origin: germline.
Comment: This sequence change replaces serine, which is neutral and polar, with alanine, which is neutral and non-polar, at codon 1418 of the JMJD1C protein (p.Ser1418Ala). This variant is not present in population databases (gnomAD no frequency). This variant has not been reported in the literature in individuals affected with JMJD1C-related conditions. ClinVar contains an entry for this variant (Variation ID: 2167693). Advanced modeling of protein sequence and biophysical properties (such as structural, functional, and spatial information, amino acid conservation, physicochemical variation, residue mobility, and thermodynamic stability) performed at Invitae indicates that this missense variant is not expected to disrupt JMJD1C protein function with a negative predictive value of 80%. In summary, the available evidence is currently insufficient to determine the role of this variant in disease. Therefore, it has been classified as a Variant of Uncertain Significance.